The following is an entry in ClinVar:

NM_078470.6(COX15):c.649C>T (p.Arg217Trp)

Gene: COX15 (cytochrome c oxidase assembly factor COX15; minus strand). Cytogenetic location: 10q24.2.
Variant type: single nucleotide variant.
Coding change: c.649C>T on transcript NM_078470.6 (MANE Select); coding-DNA position 649, C replaced by T.
Protein change: p.Arg217Trp; replaces arginine 217 with tryptophan.
Molecular consequence: missense variant. On other transcripts: non-coding transcript variant (1).
Genome position (GRCh38, 1-based): chr10:99,724,057, G>A on the plus strand (C>T on the coding strand, the complement: COX15 is on the minus strand). VCF-style: chr10-99724057-G-A. GRCh37 (hg19) VCF-style: chr10-101483814-G-A.
Other names: c.649C>T, p.Arg217Trp (NM_001320974.2, NM_001320975.2, NM_001372024.1 and 5 more transcripts); c.112C>T, p.Arg38Trp (NM_001320976.2); short protein forms R217W, R38W.
Identifiers: ClinVar variation 6175 (VCV000006175.14), dbSNP rs28939711, ClinGen allele CA118046.
Genomic context (GRCh38, chr10:99,724,057, plus strand): 5'-TGGCACAATAAAGAACCAGGGCTGATCCCAGGTGGGCAGCAAGGCGGTACTGACTGACCC[G>A]AGGGATGTCATGGGAGTCTGATTTTTCTTCTAGTCCACTTTTCACCATATACCATCCCAA-3'
Protein context (NP_510870.1, residues 207-227): EEKSDSHDIP[Arg217Trp]VSQYRLAAHL

ClinVar aggregate classification (germline): Pathogenic. Review status: criteria provided, multiple submitters, no conflicts (2 of 4 stars). 6 submissions from 6 submitters: Pathogenic (5). 1 of the submissions does not count toward it. Last evaluated 2026-01-13.

Conditions:
COX15-related disorder. Also called: COX15-related condition.
Inborn genetic diseases. Identifiers: MedGen C0950123, MeSH D030342.
Cardioencephalomyopathy, fatal infantile, due to cytochrome c oxidase deficiency 2 (MC4DN6). Also called: MITOCHONDRIAL COMPLEX IV DEFICIENCY, NUCLEAR TYPE 6. Identifiers: Orphanet 1561, MedGen C3554534, MONDO:0014051, OMIM 615119.

Allele frequency attached by ClinVar (database versions not stated): ExAC 0.00002; gnomAD 0.00004 and 0.00003; TOPMed 0.00003; gnomAD exomes 0.00003.

Submissions (6):

Labcorp Genetics (formerly Invitae), Labcorp
Classification: Pathogenic. Last evaluated: 2026-01-13. Review status: criteria provided, single submitter. Criteria: Invitae Variant Classification Sherloc (09022015). Collection method: clinical testing. Allele origin: germline.
Comment: This sequence change replaces arginine, which is basic and polar, with tryptophan, which is neutral and slightly polar, at codon 217 of the COX15 protein (p.Arg217Trp). This variant is present in population databases (rs28939711, gnomAD 0.006%). This missense change has been observed in individual(s) with mitochondrial complex IV deficiency (PMID: 12474143, 21412973, 31967322, 32232962). In at least one individual the data is consistent with being in trans (on the opposite chromosome) from a pathogenic variant. It has also been observed to segregate with disease in related individuals. This variant is also known as C700T. ClinVar contains an entry for this variant (Variation ID: 6175). An algorithm developed to predict the effect of missense changes on protein structure and function (PolyPhen-2) suggests that this variant is likely to be disruptive. For these reasons, this variant has been classified as Pathogenic.

GeneDx
Classification: Pathogenic. Last evaluated: 2025-04-09. Review status: criteria provided, single submitter. Criteria: GeneDx Variant Classification Process June 2021. Collection method: clinical testing. Allele origin: germline. Affected: yes.
Comment: Functional studies in yeast demonstrate a damaging effect of R217W on enzymatic activity (PMID: 26940873); Not observed at significant frequency in large population cohorts (gnomAD); In silico analysis supports that this missense variant has a deleterious effect on protein structure/function; This variant is associated with the following publications: (PMID: 15863660, 23299917, 15235026, 32232962, 31967322, 34440436, 39471219, 21412973, 12474143, 26940873)

Fulgent Genetics
Classification: Pathogenic for Cardioencephalomyopathy, fatal infantile, due to cytochrome c oxidase deficiency 2. Last evaluated: 2024-05-25. Review status: criteria provided, single submitter. Criteria: ACMG Guidelines, 2015. Collection method: clinical testing. Allele origin: germline.

Blueprint Genetics
Classification: Pathogenic for COX15-related disorders. Last evaluated: 2023-09-07. Review status: criteria provided, single submitter. Criteria: ACMG Guidelines, 2015. Collection method: clinical testing. Allele origin: germline. Affected: yes. Observed: 1 variant allele.

Ambry Genetics
Classification: Pathogenic for Inborn genetic diseases. Last evaluated: 2021-01-12. Review status: criteria provided, single submitter. Criteria: Ambry Variant Classification Scheme 2023. Collection method: clinical testing. Allele origin: germline.
Comment: The c.649C>T (p.R217W) alteration is located in exon 5 (coding exon 5) of the COX15 gene. This alteration results from a C to T substitution at nucleotide position 649, causing the arginine (R) at amino acid position 217 to be replaced by a tryptophan (W). Based on data from the Genome Aggregation Database (gnomAD) database, the COX15 c.649C>T alteration was observed in <0.01% (8/251494) of total alleles studied. This mutation has been identified in the homozygous and compound heterozygous state in two individuals with Leigh syndrome (Oquendo, 2004; Alfadhel, 2011). It was also identified in conjunction with an intronic variant in a case with early-onset, fatal hypertrophic cardiomyopathy (Antonicka, 2003). In yeast cells, the the corresponding variant to p.R217W was unable to support respiratory growth in synthase-deficient strain and mitochondria exhibited impaired levels of heme a, were deficient in CcO activity, and had decreased steady-state levels of core CcO subunits (Swenson, 2016). The p.R217W alteration is predicted to be deleterious by in silico analysis. Based on the available evidence, this alteration is classified as pathogenic.

OMIM
Classification: Pathogenic for MITOCHONDRIAL COMPLEX IV DEFICIENCY, NUCLEAR TYPE 6. Last evaluated: 2011-04-01. Review status: no assertion criteria provided. Collection method: literature only. Allele origin: germline. Not counted in ClinVar's aggregate classification.

Literature cited by the submitters: PubMed 12474143 (cited by 3 submitters); PubMed 21412973 (cited by 3 submitters); PubMed 31967322 (cited by Labcorp Genetics (formerly Invitae), Labcorp); PubMed 32232962 (cited by Labcorp Genetics (formerly Invitae), Labcorp); PubMed 15235026 (cited by Ambry Genetics and OMIM); PubMed 26940873 (cited by Ambry Genetics); PubMed 2175025 (cited by OMIM).